The following is an entry in ClinVar:

NM_001378477.3(NYX):c.590T>C (p.Leu197Pro)

Gene: NYX (nyctalopin; plus strand). Cytogenetic location: Xp11.4.
Variant type: single nucleotide variant.
Coding change: c.590T>C on transcript NM_001378477.3 (MANE Select); coding-DNA position 590, T replaced by C.
Protein change: p.Leu197Pro; replaces leucine 197 with proline.
Molecular consequence: missense variant.
Genome position (GRCh38, 1-based): chrX:41,474,058, T>C. VCF-style: chrX-41474058-T-C. GRCh37 (hg19) VCF-style: chrX-41333311-T-C.
Other names: c.590T>C, p.Leu197Pro (NM_022567.3); short protein forms L197P.
Identifiers: ClinVar variation 1001804 (VCV001001804.7), dbSNP rs2064376433, ClinGen allele CA412990866.

ClinVar aggregate classification (germline): Uncertain significance (1 of 4 stars; one submission).

Submission:

Labcorp Genetics (formerly Invitae), Labcorp
Classification: Uncertain significance. Last evaluated: 2021-08-17. Review status: criteria provided, single submitter. Criteria: Invitae Variant Classification Sherloc (09022015). Collection method: clinical testing. Allele origin: germline.
Comment: In summary, the available evidence is currently insufficient to determine the role of this variant in disease. Therefore, it has been classified as a Variant of Uncertain Significance. Algorithms developed to predict the effect of missense changes on protein structure and function (SIFT, PolyPhen-2, Align-GVGD) all suggest that this variant is likely to be disruptive. This missense change has been observed in individual(s) with incomplete stationary night blindness, nyctalopia, exotropia, and nystagmus. Meets CRC. (Invitae). The frequency data for this variant in the population databases is considered unreliable, as metrics indicate insufficient coverage at this position in the ExAC database. This sequence change replaces leucine with proline at codon 202 of the NYX protein (p.Leu202Pro). The leucine residue is highly conserved and there is a moderate physicochemical difference between leucine and proline.